The following is an entry in ClinVar:

NM_015058.2(VWA8):c.767dup (p.Leu257fs)

Gene: VWA8 (von Willebrand factor A domain containing 8; minus strand). Cytogenetic location: 13q14.11.
Variant type: Duplication.
Coding change: c.767dup on transcript NM_015058.2 (MANE Select); coding-DNA position 767, one base duplicated (C; older notation c.767dupC).
Protein change: p.Leu257fs; shifts the reading frame from leucine 257.
Molecular consequence: frameshift variant.
Genome position (GRCh38, 1-based): chr13:41,887,246, G duplicated on the plus strand (C on the coding strand, the reverse complement: VWA8 is on the minus strand); the first of 6 consecutive G bases (chr13:41,887,246-41,887,251); duplicating any one gives the same sequence. VCF-style (leftmost placement, unchanged base first): chr13-41887245-A-AG. GRCh37 (hg19) VCF-style: chr13-42461381-A-AG.
Other names: c.767dup, p.Leu257fs (NM_001009814.2); short protein forms L257fs.
Identifiers: ClinVar variation 5038638 (VCV005038638.1).
Genomic context (GRCh38, chr13:41,887,245, plus strand): 5'-GGTCTTACTTACCTTGAAGGGTAAATAATAAATATCCCTGGCTTGAAATCGAGAACGAAG[A>AG]GGGGGGTCTAATGGATTCCCAGAATACCTTGGCACTGGCAAGCCCAAGGCAATCACTCGG-3'

ClinVar aggregate classification (germline): Uncertain significance (1 of 4 stars; one submission).

Submission:

CeGaT Center for Human Genetics Tuebingen
Classification: Uncertain significance. Last evaluated: 2026-07-01. Review status: criteria provided, single submitter. Criteria: CeGaT Center For Human Genetics Tuebingen Variant Classification Criteria Version 2. Collection method: clinical testing. Allele origin: germline. Affected: yes. Observed: 1 variant allele.
Comment: VWA8: PVS1:Moderate